The following is an entry in ClinVar:

ClinVar aggregate classification (germline): Uncertain significance (1 of 4 stars; one submission).

Submission:

Laboratory for Molecular Medicine, Mass General Brigham Personalized Medicine
Classification: Uncertain significance. Last evaluated: 2011-08-15. Review status: criteria provided, single submitter. Criteria: LMM Criteria. Collection method: clinical testing. Allele origin: germline. Observed: 1 variant allele.
Comment: Variant classified as Uncertain Significance - Favor Benign. The Asp40Asn varian t in TGFBR2 has not been reported in the literature or identified in our laborat ory in over 380 individuals. This residue is not highly conserved and computatio nal analyses (PolyPhen2, SIFT, AlignGVGD) do not suggest a high likelihood of im pact to the normal function of the protein. It should be noted that the sensitiv ity and specificity of these computational programs has not been determined by o ur laboratory. Therefore, the clinical significance of this variant cannot be de termined at this time. The clinical significance of this variant should be inter preted in the context of this individual's clinical manifestations.

NM_003242.6(TGFBR2):c.118G>A (p.Asp40Asn)

Gene: TGFBR2 (transforming growth factor beta receptor 2; plus strand). Cytogenetic location: 3p24.1.
Variant type: single nucleotide variant.
Coding change: c.118G>A on transcript NM_003242.6 (MANE Select); coding-DNA position 118, G replaced by A.
Protein change: p.Asp40Asn; replaces aspartic acid 40 with asparagine.
Molecular consequence: missense variant.
Genome position (GRCh38, 1-based): chr3:30,644,770, G>A. VCF-style: chr3-30644770-G-A. GRCh37 (hg19) VCF-style: chr3-30686262-G-A.
Other names: c.193G>A, p.Asp65Asn (NM_001024847.3, NM_001407126.1, NM_001407139.1); c.118G>A, p.Asp40Asn (NM_001407127.1, NM_001407130.1); c.145G>A, p.Asp49Asn (NM_001407128.1); c.13G>A, p.Asp5Asn (NM_001407129.1, NM_001407132.1, NM_001407133.1 and 3 more transcripts); short protein forms D40N, D65N, D49N, D5N.
Identifiers: ClinVar variation 44653 (VCV000044653.6), dbSNP rs397516837, ClinGen allele CA020754.
Genomic context (GRCh38, chr3:30,644,770, plus strand): 5'-TTGGATAATCATTTAATATATCTTTCTCTCTCCTCAGTTAATAACGACATGATAGTCACT[G>A]ACAACAACGGTGCAGTCAAGTTTCCACAACTGTGTAAATTTTGTGATGTGAGATTTTCCA-3'
Protein context (NP_003233.4, residues 30-50): KSVNNDMIVT[Asp40Asn]NNGAVKFPQL